The following is an entry in ClinVar:

NM_001082971.2(DDC):c.179T>C (p.Val60Ala)

Gene: DDC (dopa decarboxylase; minus strand). Cytogenetic location: 7p12.1.
Variant type: single nucleotide variant.
Coding change: c.179T>C on transcript NM_001082971.2 (MANE Select); coding-DNA position 179, T replaced by C.
Protein change: p.Val60Ala; replaces valine 60 with alanine.
Molecular consequence: missense variant.
Genome position (GRCh38, 1-based): chr7:50,543,907, A>G on the plus strand (T>C on the coding strand, the complement: DDC is on the minus strand). VCF-style: chr7-50543907-A-G. GRCh37 (hg19) VCF-style: chr7-50611605-A-G.
Other names: c.179T>C, p.Val60Ala (NM_000790.4, NM_001242886.2, NM_001242887.2 and 3 more transcripts); short protein forms V60A.
Identifiers: ClinVar variation 3065481 (VCV003065481.4), dbSNP rs770446305, ClinGen allele CA4262476.

ClinVar aggregate classification (germline): Conflicting classifications of pathogenicity. Review status: criteria provided, conflicting classifications (1 of 4 stars). 3 submissions from 3 submitters: Pathogenic (2); Uncertain significance (1). Last evaluated 2025-10-07.

Conditions:
Deficiency of aromatic-L-amino-acid decarboxylase. Also called: DDC DEFICIENCY; AADC DEFICIENCY; DOPA DECARBOXYLASE DEFICIENCY; Aromatic L-Amino Acid Decarboxylase Deficiency; Aromatic amino acid decarboxylase deficiency. Identifiers: Orphanet 35708, MedGen C1291564, MONDO:0012084, OMIM 608643.

Allele frequency attached by ClinVar (database versions not stated): ExAC 0.00001; TOPMed 0.00001.
gnomAD v4.1: 22 of 1,613,980 alleles (0.0014%); highest among the groups gnomAD compares: East Asian, 0.0022%; no homozygotes.

Submissions (3):

Labcorp Genetics (formerly Invitae), Labcorp
Classification: Pathogenic for Deficiency of aromatic-L-amino-acid decarboxylase. Last evaluated: 2025-10-07. Review status: criteria provided, single submitter. Criteria: Invitae Variant Classification Sherloc (09022015). Collection method: clinical testing. Allele origin: germline.
Comment: This sequence change replaces valine, which is neutral and non-polar, with alanine, which is neutral and non-polar, at codon 60 of the DDC protein (p.Val60Ala). This variant is present in population databases (rs770446305, gnomAD 0.005%). This missense change has been observed in individual(s) with Aromatic L-amino acid decarboxylase (AADC) deficiency (PMID: 28856607, 31849064, 32369189, 37348148). ClinVar contains an entry for this variant (Variation ID: 3065481). Invitae Evidence Modeling of protein sequence and biophysical properties (such as structural, functional, and spatial information, amino acid conservation, physicochemical variation, residue mobility, and thermodynamic stability) has been performed for this missense variant. However, the output from this modeling did not meet the statistical confidence thresholds required to predict the impact of this variant on DDC protein function. Experimental studies have shown that this missense change affects DDC function (PMID: 31953134). For these reasons, this variant has been classified as Pathogenic.

Genomic Medicine Center of Excellence, King Faisal Specialist Hospital and Research Centre
Classification: Uncertain significance for Deficiency of aromatic-L-amino-acid decarboxylase. Last evaluated: 2024-03-26. Review status: criteria provided, single submitter. Criteria: ACMG Guidelines, 2015. Collection method: clinical testing. Allele origin: germline.

Juno Genomics, Hangzhou Juno Genomics, Inc
Classification: Pathogenic for Deficiency of aromatic-L-amino-acid decarboxylase. Review status: criteria provided, single submitter. Criteria: ACMG Guidelines, 2015. Collection method: clinical testing. Allele origin: germline.
Comment: Absent from controls (or at extremely low frequency if recessive) in Genome Aggregation Database.;For recessive disorders, detected in trans with a pathogenic variant.;Patient's phenotype or family history is highly specific for a disease with a single genetic etiology.

Literature cited by the submitters: PubMed 28856607 (cited by Labcorp Genetics (formerly Invitae), Labcorp); PubMed 31849064 (cited by Labcorp Genetics (formerly Invitae), Labcorp); PubMed 32369189 (cited by Labcorp Genetics (formerly Invitae), Labcorp); PubMed 37348148 (cited by Labcorp Genetics (formerly Invitae), Labcorp); PubMed 31953134 (cited by Labcorp Genetics (formerly Invitae), Labcorp).